The following is an entry in ClinVar:

NM_015001.3(SPEN):c.1151G>A (p.Arg384Gln)

Gene: SPEN (spen family transcriptional repressor; plus strand). Cytogenetic location: 1p36.13.
Variant type: single nucleotide variant.
Coding change: c.1151G>A on transcript NM_015001.3 (MANE Select); coding-DNA position 1151, G replaced by A.
Protein change: p.Arg384Gln; replaces arginine 384 with glutamine.
Molecular consequence: missense variant.
Genome position (GRCh38, 1-based): chr1:15,911,209, G>A. VCF-style: chr1-15911209-G-A. GRCh37 (hg19) VCF-style: chr1-16237704-G-A.
Other names: short protein forms R384Q.
Identifiers: ClinVar variation 2480266 (VCV002480266.2), dbSNP rs1263387333, ClinGen allele CA338611909.
Genomic context (GRCh38, chr1:15,911,209, plus strand): 5'-AAGTAACTTCAGTGCAGATACATGGAACTTCAGAAGAGAGGTATGGTCTGGTATTCTTTC[G>A]GCAGCAAGAGGACCAAGAAAAAGCCTTGACTGCATCAAAAGGAAAACTTTTCTTTGGCAT-3'
Protein context (NP_055816.2, residues 374-394): SEERYGLVFF[Arg384Gln]QQEDQEKALT

ClinVar aggregate classification (germline): Uncertain significance (1 of 4 stars; one submission).

Conditions:
Inborn genetic diseases. Identifiers: MedGen C0950123, MeSH D030342.

Allele frequency attached by ClinVar (database versions not stated): gnomAD exomes below 0.00001.
gnomAD v4.1: 2 of 1,614,020 alleles (0.00012%); highest among the groups gnomAD compares: Admixed American, 0.0017%; no homozygotes.

Submission:

Ambry Genetics
Classification: Uncertain significance for Inborn genetic diseases. Last evaluated: 2023-03-10. Review status: criteria provided, single submitter. Criteria: Ambry Variant Classification Scheme 2023. Collection method: clinical testing. Allele origin: germline.
Comment: The c.1151G>A (p.R384Q) alteration is located in exon 5 (coding exon 5) of the SPEN gene. This alteration results from a G to A substitution at nucleotide position 1151, causing the arginine (R) at amino acid position 384 to be replaced by a glutamine (Q). Based on data from gnomAD, the A allele has an overall frequency of <0.001% (1/251420) total alleles studied. The highest observed frequency was 0.003% (1/34588) of Latino alleles. This amino acid position is highly conserved in available vertebrate species. This alteration is predicted to be tolerated by in silico analysis. Based on insufficient or conflicting evidence, the clinical significance of this alteration remains unclear.